The following is an entry in ClinVar:

NM_001286.5(CLCN6):c.761T>C (p.Phe254Ser)

Gene: CLCN6 (Cl-/H+ antiporter 6; plus strand). Cytogenetic location: 1p36.22.
Variant type: single nucleotide variant.
Coding change: c.761T>C on transcript NM_001286.5 (MANE Select); coding-DNA position 761, T replaced by C.
Protein change: p.Phe254Ser; replaces phenylalanine 254 with serine.
Molecular consequence: missense variant. On other transcripts: non-coding transcript variant (1).
Genome position (GRCh38, 1-based): chr1:11,827,142, T>C. VCF-style: chr1-11827142-T-C. GRCh37 (hg19) VCF-style: chr1-11887199-T-C.
Other names: c.761T>C (NM_001286.3); c.695T>C, p.Phe232Ser (NM_001256959.2); short protein forms F254S, F232S.
Identifiers: ClinVar variation 2958424 (VCV002958424.4), dbSNP rs2523121338, ClinGen allele CA338428761.

ClinVar aggregate classification (germline): Uncertain significance (1 of 4 stars; one submission).

Conditions:
Neuronal ceroid lipofuscinosis 15. Also called: Neurodegeneration, childhood-onset, with hypotonia, respiratory insufficiency, and brain imaging abnormalities; Neurodegeneration, childhood-onset, hypotonia, respiratory insufficiency and brain imaging abnormalities. Identifiers: Orphanet 610573, MedGen C5543020, MONDO:0030947, OMIM 619173.

Submission:

Labcorp Genetics (formerly Invitae), Labcorp
Classification: Uncertain significance. Last evaluated: 2025-07-08. Review status: criteria provided, single submitter. Criteria: Invitae Variant Classification Sherloc (09022015). Collection method: clinical testing. Allele origin: germline.
Comment: This sequence change replaces phenylalanine, which is neutral and non-polar, with serine, which is neutral and polar, at codon 254 of the CLCN6 protein (p.Phe254Ser). This variant is not present in population databases (gnomAD no frequency). This missense change has been observed in individual(s) with clinical features of a neurdevelopmental disorder (PMID: 31785789). ClinVar contains an entry for this variant (Variation ID: 2958424). An algorithm developed to predict the effect of missense changes on protein structure and function (PolyPhen-2) suggests that this variant is likely to be disruptive. In summary, the available evidence is currently insufficient to determine the role of this variant in disease. Therefore, it has been classified as a Variant of Uncertain Significance.

Literature cited by the submitters: PubMed 31785789 (cited by Labcorp Genetics (formerly Invitae), Labcorp).